The following is an entry in ClinVar:

ClinVar aggregate classification (germline): Uncertain significance (1 of 4 stars; one submission).

Conditions:
Inborn genetic diseases. Identifiers: MedGen C0950123, MeSH D030342.

Submission:

Ambry Genetics
Classification: Uncertain significance for Inborn genetic diseases. Last evaluated: 2026-03-12. Review status: criteria provided, single submitter. Criteria: Ambry Variant Classification Scheme 2023. Collection method: clinical testing. Allele origin: germline.
Comment: The p.S594R variant (also known as c.1782C>G), located in coding exon 20 of the RTEL1 gene, results from a C to G substitution at nucleotide position 1782. The serine at codon 594 is replaced by arginine, an amino acid with dissimilar properties. This amino acid position is conserved. In addition, this alteration is predicted to be tolerated by in silico analysis. Based on the available evidence, the clinical significance of this variant remains unclear.

NM_001283009.2(RTEL1):c.1782C>G (p.Ser594Arg)

Genes: RTEL1 (regulator of telomere elongation helicase 1; plus strand), RTEL1-TNFRSF6B (RTEL1-TNFRSF6B readthrough (NMD candidate); plus strand). Cytogenetic location: 20q13.33.
Variant type: single nucleotide variant.
Coding change: c.1782C>G on transcript NM_001283009.2 (MANE Select); coding-DNA position 1782, C replaced by G.
Protein change: p.Ser594Arg; replaces serine 594 with arginine.
Molecular consequence: missense variant. On other transcripts: non-coding transcript variant (1).
Genome position (GRCh38, 1-based): chr20:63,688,587, C>G. VCF-style: chr20-63688587-C-G. GRCh37 (hg19) VCF-style: chr20-62319940-C-G.
Other names: c.1113C>G, p.Ser371Arg (NM_001283010.1); c.1782C>G, p.Ser594Arg (NM_016434.4); c.1854C>G, p.Ser618Arg (NM_032957.5); short protein forms S594R, S371R, S618R.
Identifiers: ClinVar variation 4827719 (VCV004827719.1).